The following is an entry in ClinVar:

ClinVar aggregate classification (germline): Uncertain significance. Review status: criteria provided, multiple submitters, no conflicts (2 of 4 stars). 2 submissions from 2 submitters: Uncertain significance (2). Last evaluated 2025-08-31.

Conditions:
Inborn genetic diseases. Identifiers: MedGen C0950123, MeSH D030342.

Allele frequency attached by ClinVar (database versions not stated): ExAC 0.00003; gnomAD 0.00003; TOPMed 0.00003; gnomAD exomes 0.00004.
gnomAD v4.1: 66 of 1,613,296 alleles (0.0041%); highest among the groups gnomAD compares: Middle Eastern, 0.051%; no homozygotes.

Submissions (2):

Ambry Genetics
Classification: Uncertain significance for Inborn genetic diseases. Last evaluated: 2025-08-31. Review status: criteria provided, single submitter. Criteria: Ambry Variant Classification Scheme 2023. Collection method: clinical testing. Allele origin: germline.

Women's Health and Genetics/Laboratory Corporation of America, LabCorp
Classification: Uncertain significance. Last evaluated: 2023-08-15. Review status: criteria provided, single submitter. Criteria: LabCorp Variant Classification Summary - May 2015. Collection method: clinical testing. Allele origin: germline.
Comment: Variant summary: DHX37 c.1150C>G (p.Leu384Val) results in a conservative amino acid change located in the DEAD/DEAH box helicase domain of the encoded protein sequence. Three of five in-silico tools predict a damaging effect of the variant on protein function. The variant allele was found at a frequency of 2e-05 in 250754 control chromosomes. The available data on variant occurrences in the general population are insufficient to allow any conclusion about variant significance. To our knowledge, no occurrence of c.1150C>G in individuals affected with DHX37-Related Disorders and no experimental evidence demonstrating its impact on protein function have been reported. No submitters have cited clinical-significance assessments for this variant to ClinVar after 2014. Based on the evidence outlined above, the variant was classified as uncertain significance.

NM_032656.4(DHX37):c.1150C>G (p.Leu384Val)

Gene: DHX37 (DEAH-box helicase 37; minus strand). Cytogenetic location: 12q24.31.
Variant type: single nucleotide variant.
Coding change: c.1150C>G on transcript NM_032656.4 (MANE Select); coding-DNA position 1150, C replaced by G.
Protein change: p.Leu384Val; replaces leucine 384 with valine.
Molecular consequence: missense variant.
Genome position (GRCh38, 1-based): chr12:124,971,343, G>C on the plus strand (C>G on the coding strand, the complement: DHX37 is on the minus strand). VCF-style: chr12-124971343-G-C. GRCh37 (hg19) VCF-style: chr12-125455889-G-C.
Other names: short protein forms L384V.
Identifiers: ClinVar variation 2581712 (VCV002581712.3), dbSNP rs749051651, ClinGen allele CA6872197.